The following is an entry in ClinVar:

NM_002382.5(MAX):c.64G>T (p.Ala22Ser)

Genes: MAX-AS1 (MAX antisense RNA 1; plus strand), MAX (MYC associated transcriptional regulator X; minus strand). Cytogenetic location: 14q23.3.
Variant type: single nucleotide variant.
Coding change: c.64G>T on transcript NM_002382.5 (MANE Select); coding-DNA position 64, G replaced by T.
Protein change: p.Ala22Ser; replaces alanine 22 with serine.
Molecular consequence: missense variant. On other transcripts: non-coding transcript variant (1), 5 prime UTR variant (1), synonymous variant (1).
Genome position (GRCh38, 1-based): chr14:65,093,815, C>A on the plus strand (G>T on the coding strand, the complement: MAX is on the minus strand). VCF-style: chr14-65093815-C-A. GRCh37 (hg19) VCF-style: chr14-65560533-C-A.
Other names: c.37G>T, p.Ala13Ser (NM_001271068.2, NM_001271069.2, NM_001407095.1 and 9 more transcripts); c.-211G>T (NM_001320415.2, NM_001407105.1, NM_001407106.1 and 1 more transcripts); c.64G>T, p.Ala22Ser (NM_001407094.1, NM_001407096.1, NM_001407097.1 and 5 more transcripts); c.-304G>T (NM_001407111.1, NM_001407112.1); c.87G>T, p.Arg29= (NM_001407114.1); short protein forms A13S, A22S.
Identifiers: ClinVar variation 1753907 (VCV001753907.9), dbSNP rs1435018573, ClinGen allele CA390037838.

ClinVar aggregate classification (germline): Uncertain significance. Review status: criteria provided, multiple submitters, no conflicts (2 of 4 stars). 3 submissions from 3 submitters: Uncertain significance (3). Last evaluated 2025-10-26.

Conditions:
Hereditary cancer-predisposing syndrome. Also called: Tumor predisposition; Hereditary Cancer Syndrome; Hereditary neoplastic syndrome; Neoplastic Syndromes, Hereditary. Identifiers: Orphanet 140162, MedGen C0027672, MeSH D009386, MONDO:0015356.
Hereditary pheochromocytoma and paraganglioma. Also called: Hereditary paragangliomas and pheochromocytomas; Hereditary Paraganglioma-Pheochromocytoma Syndromes; Hereditary pheochromocytoma-paraganglioma. Identifiers: Orphanet 29072, MedGen C4274332, MONDO:0017366.
Pheochromocytoma. Also called: MAX-Related Hereditary Paraganglioma-Pheochromocytoma Syndrome. Identifiers: Orphanet 29072, MedGen C0031511, MONDO:0008233, OMIM 171300, HP:0002666.

Allele frequency attached by ClinVar (database versions not stated): gnomAD 0.00001.
gnomAD v4.1: 1 of 1,550,788 alleles (0.000064%); highest among the groups gnomAD compares: Non-Finnish European, 0.000089%; no homozygotes.

Submissions (3):

Labcorp Genetics (formerly Invitae), Labcorp
Classification: Uncertain significance for Hereditary pheochromocytoma and paraganglioma. Last evaluated: 2025-10-26. Review status: criteria provided, single submitter. Criteria: Invitae Variant Classification Sherloc (09022015). Collection method: clinical testing. Allele origin: germline.
Comment: This sequence change replaces alanine, which is neutral and non-polar, with serine, which is neutral and polar, at codon 22 of the MAX protein (p.Ala22Ser). This variant is not present in population databases (gnomAD no frequency). This variant has not been reported in the literature in individuals affected with MAX-related conditions. ClinVar contains an entry for this variant (Variation ID: 1753907). An algorithm developed to predict the effect of missense changes on protein structure and function (PolyPhen-2) suggests that this variant is likely to be tolerated. In summary, the available evidence is currently insufficient to determine the role of this variant in disease. Therefore, it has been classified as a Variant of Uncertain Significance.

Ambry Genetics
Classification: Uncertain significance for Hereditary cancer-predisposing syndrome. Last evaluated: 2024-05-31. Review status: criteria provided, single submitter. Criteria: Ambry Variant Classification Scheme 2023. Collection method: clinical testing. Allele origin: germline.
Comment: The p.A22S variant (also known as c.64G>T) is located in coding exon 3 of the MAX gene. The alanine at codon 22 is replaced by serine, an amino acid with similar properties. This change occurs in the first base pair of coding exon 3. This amino acid position is highly conserved in available vertebrate species. In addition, the in silico prediction for this alteration is inconclusive. Based on the available evidence, the clinical significance of this variant remains unclear.

Baylor Genetics
Classification: Uncertain significance for Pheochromocytoma. Last evaluated: 2023-10-30. Review status: criteria provided, single submitter. Criteria: ACMG Guidelines, 2015. Collection method: clinical testing. Allele origin: unknown.